The following is an entry in ClinVar:

NM_001367624.2(ZNF469):c.6629T>G (p.Leu2210Arg)

Gene: ZNF469 (zinc finger protein 469; plus strand). Cytogenetic location: 16q24.2.
Variant type: single nucleotide variant.
Coding change: c.6629T>G on transcript NM_001367624.2 (MANE Select); coding-DNA position 6629, T replaced by G.
Protein change: p.Leu2210Arg; replaces leucine 2210 with arginine.
Molecular consequence: missense variant.
Genome position (GRCh38, 1-based): chr16:88,434,099, T>G. VCF-style: chr16-88434099-T-G. GRCh37 (hg19) VCF-style: chr16-88500507-T-G.
Other names: NM_001127464.1:c.6545T>G; short protein forms L2210R.
Identifiers: ClinVar variation 1754124 (VCV001754124.6), dbSNP rs564413710, ClinGen allele CA397106339.

ClinVar aggregate classification (germline): Uncertain significance. Review status: criteria provided, multiple submitters, no conflicts (2 of 4 stars). 3 submissions from 3 submitters: Uncertain significance (3). Last evaluated 2025-11-17.

Conditions:
Cardiovascular phenotype. Identifiers: MedGen CN230736.

gnomAD v4.1: 6 of 1,550,266 alleles (0.00039%); highest among the groups gnomAD compares: Middle Eastern, 0.017%; no homozygotes.

Submissions (3):

Women's Health and Genetics/Laboratory Corporation of America, LabCorp
Classification: Uncertain significance. Last evaluated: 2025-11-17. Review status: criteria provided, single submitter. Criteria: LabCorp Variant Classification Summary - May 2015. Collection method: clinical testing. Allele origin: germline.
Comment: Variant summary: ZNF469 c.6629T>G (p.Leu2210Arg) results in a non-conservative amino acid change in the encoded protein sequence. Algorithms developed to predict the effect of missense changes on protein structure and function are either unavailable or do not agree on the potential impact of this missense change. The variant allele was found at a frequency of 6.5e-06 in 153726 control chromosomes. The available data on variant occurrences in the general population are insufficient to allow any conclusion about variant significance. To our knowledge, no occurrence of c.6629T>G in individuals affected with ZNF469-related conditions and no experimental evidence demonstrating its impact on protein function have been reported. ClinVar contains an entry for this variant (Variation ID: 1754124). Based on the evidence outlined above, the variant was classified as uncertain significance.

Ambry Genetics
Classification: Uncertain significance for Cardiovascular phenotype. Last evaluated: 2025-01-29. Review status: criteria provided, single submitter. Criteria: Ambry Variant Classification Scheme 2023. Collection method: clinical testing. Allele origin: germline.

Labcorp Genetics (formerly Invitae), Labcorp
Classification: Uncertain significance. Last evaluated: 2022-04-08. Review status: criteria provided, single submitter. Criteria: Invitae Variant Classification Sherloc (09022015). Collection method: clinical testing. Allele origin: germline.
Comment: This sequence change replaces leucine, which is neutral and non-polar, with arginine, which is basic and polar, at codon 2182 of the ZNF469 protein (p.Leu2182Arg). This variant is present in population databases (no rsID available, gnomAD 0.002%). This variant has not been reported in the literature in individuals affected with ZNF469-related conditions. Algorithms developed to predict the effect of missense changes on protein structure and function are either unavailable or do not agree on the potential impact of this missense change (SIFT: "Tolerated"; PolyPhen-2: "Possibly Damaging"; Align-GVGD: "Class C0"). In summary, the available evidence is currently insufficient to determine the role of this variant in disease. Therefore, it has been classified as a Variant of Uncertain Significance.